The following is an entry in ClinVar:

ClinVar aggregate classification (germline): Uncertain significance. Review status: criteria provided, multiple submitters, no conflicts (2 of 4 stars). 2 submissions from 2 submitters: Uncertain significance (2). Last evaluated 2025-12-21.

Conditions:
Inborn genetic diseases. Identifiers: MedGen C0950123, MeSH D030342.

Allele frequency attached by ClinVar (database versions not stated): TOPMed 0.00005; gnomAD 0.00003; ExAC 0.00007; ESP Exome Variant Server 0.00008; gnomAD exomes 0.00032.
gnomAD v4.1: 451 of 1,613,978 alleles (0.028%); highest among the groups gnomAD compares: Non-Finnish European, 0.038%; 1 homozygote.

Submissions (2):

Labcorp Genetics (formerly Invitae), Labcorp
Classification: Uncertain significance. Last evaluated: 2025-12-21. Review status: criteria provided, single submitter. Criteria: Invitae Variant Classification Sherloc (09022015). Collection method: clinical testing. Allele origin: germline.
Comment: This sequence change replaces leucine, which is neutral and non-polar, with proline, which is neutral and non-polar, at codon 416 of the MBD4 protein (p.Leu416Pro). This variant is present in population databases (rs377098254, gnomAD 0.01%). This variant has not been reported in the literature in individuals affected with MBD4-related conditions. ClinVar contains an entry for this variant (Variation ID: 2891386). An algorithm developed to predict the effect of missense changes on protein structure and function (PolyPhen-2) suggests that this variant is likely to be disruptive. In summary, the available evidence is currently insufficient to determine the role of this variant in disease. Therefore, it has been classified as a Variant of Uncertain Significance.

Ambry Genetics
Classification: Uncertain significance for Inborn genetic diseases. Last evaluated: 2025-08-10. Review status: criteria provided, single submitter. Criteria: Ambry Variant Classification Scheme 2023. Collection method: clinical testing. Allele origin: germline.

NM_001276270.2(MBD4):c.1229T>C (p.Leu410Pro)

Gene: MBD4 (methyl-CpG binding domain 4, DNA glycosylase; minus strand). Cytogenetic location: 3q21.3.
Variant type: single nucleotide variant.
Coding change: c.1229T>C on transcript NM_001276270.2 (MANE Select); coding-DNA position 1229, T replaced by C.
Protein change: p.Leu410Pro; replaces leucine 410 with proline.
Molecular consequence: missense variant.
Genome position (GRCh38, 1-based): chr3:129,434,091, A>G on the plus strand (T>C on the coding strand, the complement: MBD4 is on the minus strand). VCF-style: chr3-129434091-A-G. GRCh37 (hg19) VCF-style: chr3-129152934-A-G.
Other names: c.1247T>C, p.Leu416Pro (NM_001276271.2, NM_001276272.2, NM_003925.3); c.293T>C, p.Leu98Pro (NM_001276273.2); short protein forms L410P, L416P, L98P.
Identifiers: ClinVar variation 2891386 (VCV002891386.5), dbSNP rs377098254, ClinGen allele CA2605368.